The following is an entry in ClinVar:

GRCh38/hg38 3p13(chr3:70418081-71438421)x1

Genes: FOXP1 (forkhead box P1; minus strand), FOXP1-AS1 (FOXP1 antisense RNA 1; plus strand), SAMMSON (survival associated mitochondrial melanoma specific oncogenic non-coding RNA; plus strand), LOC110120604 (VISTA enhancer hs187; plus strand), LOC110120720 (VISTA enhancer hs630; plus strand) and 12 more. Cytogenetic location: 3p13.
Variant type: copy number loss.
Change: copy number 1 (one copy instead of two) of chr3:70,418,081-71,438,421 (1.02 Mb, GRCh38 coordinates, 1-based), cytogenetic band 3p13.
Identifiers: ClinVar variation 57350 (VCV000057350.1).

ClinVar aggregate classification (germline): Pathogenic (1 of 4 stars; one submission).

Submission:

ISCA site 4
Classification: Pathogenic. Last evaluated: 2011-08-12. Review status: criteria provided, single submitter. Criteria: Kaminsky et al. (Genet Med. 2011). Collection method: clinical testing. Allele origin: de novo. Affected: yes. Observed: 1 variant allele.
Comment: Copy number variation identified through the course of routine clinical cytogenomic testing in postnatal populations. Clinical assertions have been curated as described in Kaminsky et al. 2011.